The following is an entry in ClinVar:

ClinVar aggregate classification (germline): Conflicting classifications of pathogenicity. Review status: criteria provided, conflicting classifications (1 of 4 stars). 3 submissions from 3 submitters: Uncertain significance (2); Likely benign (1). Last evaluated 2022-10-27.

Conditions:
Inborn genetic diseases. Identifiers: MedGen C0950123, MeSH D030342.
Wiskott-Aldrich syndrome 2 (WAS2). Also called: WIPF1 DEFICIENCY. Identifiers: Orphanet 906, MedGen C3281001, MONDO:0013779, OMIM 614493.

Allele frequency attached by ClinVar (database versions not stated): ExAC 0.00007; ESP Exome Variant Server 0.00015; TOPMed 0.00008; gnomAD exomes 0.00005 and 0.00019; gnomAD 0.00009.

Submissions (3):

Ambry Genetics
Classification: Likely benign for Inborn genetic diseases. Last evaluated: 2022-10-27. Review status: criteria provided, single submitter. Criteria: Ambry Variant Classification Scheme 2023. Collection method: clinical testing. Allele origin: germline.

Labcorp Genetics (formerly Invitae), Labcorp
Classification: Uncertain significance for Wiskott-Aldrich syndrome 2. Last evaluated: 2022-08-05. Review status: criteria provided, single submitter. Criteria: Invitae Variant Classification Sherloc (09022015). Collection method: clinical testing. Allele origin: germline.
Comment: This sequence change replaces serine, which is neutral and polar, with asparagine, which is neutral and polar, at codon 41 of the WIPF1 protein (p.Ser41Asn). This variant is present in population databases (rs141730361, gnomAD 0.01%). This variant has not been reported in the literature in individuals affected with WIPF1-related conditions. ClinVar contains an entry for this variant (Variation ID: 846396). Algorithms developed to predict the effect of missense changes on protein structure and function output the following: SIFT: "Not Available"; PolyPhen-2: "Benign"; Align-GVGD: "Not Available". The asparagine amino acid residue is found in multiple mammalian species, which suggests that this missense change does not adversely affect protein function. In summary, the available evidence is currently insufficient to determine the role of this variant in disease. Therefore, it has been classified as a Variant of Uncertain Significance.

Genetics and Molecular Pathology, SA Pathology
Classification: Uncertain significance for Wiskott-Aldrich syndrome 2. Last evaluated: 2021-01-19. Review status: criteria provided, single submitter. Criteria: ACMG Guidelines, 2015. Collection method: clinical testing. Allele origin: germline. Inheritance: Autosomal recessive inheritance. Affected: yes.
Comment: The WIPF1 c.122G>A variant is classified as VUS due to insufficient evidence to classify. (PM2, BP4)

NM_001375834.1(WIPF1):c.122G>A (p.Ser41Asn)

Genes: WIPF1 (WAS/WASL interacting protein family member 1; minus strand), WIPF1-AS1 (WIPF1 and CHRNA1 antisense RNA 1; plus strand). Cytogenetic location: 2q31.1.
Variant type: single nucleotide variant.
Coding change: c.122G>A on transcript NM_001375834.1 (MANE Select); coding-DNA position 122, G replaced by A.
Protein change: p.Ser41Asn; replaces serine 41 with asparagine.
Molecular consequence: missense variant.
Genome position (GRCh38, 1-based): chr2:174,581,369, C>T on the plus strand (G>A on the coding strand, the complement: WIPF1 is on the minus strand). VCF-style: chr2-174581369-C-T. GRCh37 (hg19) VCF-style: chr2-175446097-C-T.
Other names: c.122G>A, p.Ser41Asn (NM_001077269.1, NM_001375832.1, NM_001375833.1 and 6 more transcripts); short protein forms S41N.
Identifiers: ClinVar variation 846396 (VCV000846396.8), dbSNP rs141730361, ClinGen allele CA1974229.